The following is an entry in ClinVar:

ClinVar aggregate classification (germline): Uncertain significance (1 of 4 stars; one submission).

Conditions:
VPS13B-related disorder. Also called: VPS13B-related condition.

gnomAD v4.1: 1 of 1,613,990 alleles (0.000062%); highest among the groups gnomAD compares: South Asian, 0.0011%; no homozygotes.

Submission:

PreventionGenetics, part of Exact Sciences
Classification: Uncertain significance for VPS13B-related condition. Last evaluated: 2025-04-02. Review status: criteria provided, single submitter. Criteria: ACMG Guidelines, 2015. Collection method: clinical testing. Allele origin: germline.
Comment: The VPS13B c.556G>A variant is predicted to result in the amino acid substitution p.Asp186Asn. To our knowledge, this variant has not been reported in the literature. This variant is reported in 0.0033% of alleles in individuals of South Asian descent in gnomAD. At this time, the clinical significance of this variant is uncertain due to the absence of conclusive functional and genetic evidence.

NM_152564.5(VPS13B):c.556G>A (p.Asp186Asn)

Gene: VPS13B (vacuolar protein sorting 13 homolog B; plus strand). Cytogenetic location: 8q22.2.
Variant type: single nucleotide variant.
Coding change: c.556G>A on transcript NM_152564.5 (MANE Select); coding-DNA position 556, G replaced by A.
Protein change: p.Asp186Asn; replaces aspartic acid 186 with asparagine.
Molecular consequence: missense variant. On other transcripts: non-coding transcript variant (1).
Genome position (GRCh38, 1-based): chr8:99,103,096, G>A. VCF-style: chr8-99103096-G-A. GRCh37 (hg19) VCF-style: chr8-100115324-G-A.
Other names: c.556G>A, p.Asp186Asn (NM_015243.3, NM_017890.5, NM_181661.3); short protein forms D186N.
Identifiers: ClinVar variation 4999477 (VCV004999477.1).